The following is an entry in ClinVar:

NM_001999.4(FBN2):c.5552T>G (p.Ile1851Arg)

Gene: FBN2 (fibrillin 2; minus strand). Cytogenetic location: 5q23.3.
Variant type: single nucleotide variant.
Coding change: c.5552T>G on transcript NM_001999.4 (MANE Select); coding-DNA position 5552, T replaced by G.
Protein change: p.Ile1851Arg; replaces isoleucine 1851 with arginine.
Molecular consequence: missense variant.
Genome position (GRCh38, 1-based): chr5:128,305,633, A>C on the plus strand (T>G on the coding strand, the complement: FBN2 is on the minus strand). VCF-style: chr5-128305633-A-C. GRCh37 (hg19) VCF-style: chr5-127641325-A-C.
Other names: short protein forms I1851R.
Identifiers: ClinVar variation 2815852 (VCV002815852.3), dbSNP rs756045785, ClinGen allele CA360740673.

ClinVar aggregate classification (germline): Uncertain significance (1 of 4 stars; one submission).

Conditions:
Congenital contractural arachnodactyly (CCA). Also called: Beals-Hecht syndrome; BEALS SYNDROME; Arthrogryposis, distal, type 9. Identifiers: Orphanet 115, MedGen C0220668, MONDO:0007363, OMIM 121050.

Submission:

Labcorp Genetics (formerly Invitae), Labcorp
Classification: Uncertain significance for Congenital contractural arachnodactyly. Last evaluated: 2023-01-15. Review status: criteria provided, single submitter. Criteria: Invitae Variant Classification Sherloc (09022015). Collection method: clinical testing. Allele origin: germline.
Comment: This sequence change replaces isoleucine, which is neutral and non-polar, with arginine, which is basic and polar, at codon 1851 of the FBN2 protein (p.Ile1851Arg). This variant is not present in population databases (gnomAD no frequency). This variant has not been reported in the literature in individuals affected with FBN2-related conditions. Advanced modeling of protein sequence and biophysical properties (such as structural, functional, and spatial information, amino acid conservation, physicochemical variation, residue mobility, and thermodynamic stability) performed at Invitae indicates that this missense variant is not expected to disrupt FBN2 protein function. Algorithms developed to predict the effect of sequence changes on RNA splicing suggest that this variant may create or strengthen a splice site. In summary, the available evidence is currently insufficient to determine the role of this variant in disease. Therefore, it has been classified as a Variant of Uncertain Significance.